The following is an entry in ClinVar:

NM_001378609.3(OTOGL):c.1481T>G (p.Phe494Cys)

Gene: OTOGL (otogelin like; plus strand). Cytogenetic location: 12q21.31.
Variant type: single nucleotide variant.
Coding change: c.1481T>G on transcript NM_001378609.3 (MANE Select); coding-DNA position 1481, T replaced by G.
Protein change: p.Phe494Cys; replaces phenylalanine 494 with cysteine.
Molecular consequence: missense variant.
Genome position (GRCh38, 1-based): chr12:80,255,079, T>G. VCF-style: chr12-80255079-T-G. GRCh37 (hg19) VCF-style: chr12-80648859-T-G.
Other names: c.1481T>G, p.Phe494Cys (NM_001368062.3, NM_001378610.3, NM_173591.7); short protein forms F494C.
Identifiers: ClinVar variation 3700255 (VCV003700255.2).

ClinVar aggregate classification (germline): Uncertain significance (1 of 4 stars; one submission).

gnomAD v4.1: 16 of 1,522,148 alleles (0.0011%); highest among the groups gnomAD compares: Non-Finnish European, 0.0014%; no homozygotes.

Submission:

Labcorp Genetics (formerly Invitae), Labcorp
Classification: Uncertain significance. Last evaluated: 2024-08-21. Review status: criteria provided, single submitter. Criteria: Invitae Variant Classification Sherloc (09022015). Collection method: clinical testing. Allele origin: germline.
Comment: This sequence change replaces phenylalanine, which is neutral and non-polar, with cysteine, which is neutral and slightly polar, at codon 485 of the OTOGL protein (p.Phe485Cys). This variant is present in population databases (rs767032716, gnomAD 0.002%). This variant has not been reported in the literature in individuals affected with OTOGL-related conditions. An algorithm developed to predict the effect of missense changes on protein structure and function (PolyPhen-2) suggests that this variant is likely to be disruptive. In summary, the available evidence is currently insufficient to determine the role of this variant in disease. Therefore, it has been classified as a Variant of Uncertain Significance.